The following is an entry in ClinVar:

NM_002474.3(MYH11):c.4954-16del

Genes: MYH11 (myosin heavy chain 11; minus strand), NDE1 (nudE neurodevelopment protein 1; plus strand). Cytogenetic location: 16p13.11.
Variant type: Deletion.
Coding change: c.4954-16del on transcript NM_002474.3 (MANE Select); 16 bases into the intron before coding-DNA position 4954, one base deleted (C; older notation c.4954-16delC).
Molecular consequence: intron variant.
Genome position (GRCh38, 1-based): chr16:15,719,729, G deleted on the plus strand (C on the coding strand, the reverse complement: MYH11 is on the minus strand); the first of 3 consecutive G bases (chr16:15,719,729-15,719,731); deleting any one gives the same sequence. VCF-style (leftmost placement, unchanged base first): chr16-15719728-AG-A. GRCh37 (hg19) VCF-style: chr16-15813585-AG-A.
Other names: c.4975-16delC (NM_001040114.1); c.948-4460del (NM_001143979.2, NM_017668.3); c.4954-16del (NM_022844.3); c.4975-16del (NM_001040114.2, NM_001040113.2).
Identifiers: ClinVar variation 36623 (VCV000036623.3), dbSNP rs193922631, ClinGen allele CA214172.
Genomic context (GRCh38, chr16:15,719,728, plus strand): 5'-AGGCACGGGCATCTTCCAGCTCTCTTTGAAAGTCCTTCATCTGAGCCTGCATGAGTCAAC[AG>A]GGAGGACAAGCTCAGATGTCCTTACTCCCCCAAGTTCTGCTGCCCAGTTCAGCTTTGCAC-3'

ClinVar aggregate classification (germline): Uncertain significance (1 of 4 stars; one submission).

Conditions:
Familial aortopathy. Identifiers: MedGen CN078214.

Submission:

Women's Health and Genetics/Laboratory Corporation of America, LabCorp
Classification: Uncertain significance for Aortopathy. Last evaluated: 2011-08-18. Review status: criteria provided, single submitter. Criteria: LabCorp Variant Classification Summary - May 2015. Collection method: curation. Allele origin: germline. Inheritance: autosomal unknown. Affected: yes.
ClinVar note: Converted during submission from uncertain to Uncertain significance.